The following is an entry in ClinVar:

NM_001388303.1(HECTD4):c.5064C>T (p.Cys1688=)

Gene: HECTD4 (HECT domain E3 ubiquitin protein ligase 4; minus strand). Cytogenetic location: 12q24.13.
Variant type: single nucleotide variant.
Coding change: c.5064C>T on transcript NM_001388303.1 (MANE Select); coding-DNA position 5064, C replaced by T.
Protein change: p.Cys1688=; no amino-acid change (cysteine 1688 retained).
Molecular consequence: synonymous variant.
Genome position (GRCh38, 1-based): chr12:112,239,922, G>A on the plus strand (C>T on the coding strand, the complement: HECTD4 is on the minus strand). VCF-style: chr12-112239922-G-A. GRCh37 (hg19) VCF-style: chr12-112677726-G-A.
Other names: c.5094C>T, p.Cys1698= (NM_001109662.4).
Identifiers: ClinVar variation 4821251 (VCV004821251.4).
Genomic context (GRCh38, chr12:112,239,922, plus strand): 5'-AAGGCCTTTCCGTACTTACCTGGTGTAAGGTATGGTACATAAGAGTCCAATGCTATTTGC[G>A]CAAGCGATAGGGTAACGAGCACACAGAGACACAACAGAGGTCATGGTCTCGCCAAAGGCT-3'
Protein context (NP_001375232.1, residues 1678-1698): VSLCARYPIA[Cys1688=]ANSIGLLCTI

ClinVar aggregate classification (germline): Likely benign (1 of 4 stars; one submission).

gnomAD v4.1: 314 of 1,613,842 alleles (0.019%); highest among the groups gnomAD compares: Non-Finnish European, 0.023%; no homozygotes.

Submission:

CeGaT Center for Human Genetics Tuebingen
Classification: Likely benign. Last evaluated: 2026-02-01. Review status: criteria provided, single submitter. Criteria: CeGaT Center For Human Genetics Tuebingen Variant Classification Criteria Version 2. Collection method: clinical testing. Allele origin: germline. Affected: yes. Observed: 1 variant allele.
Comment: HECTD4: BP4, BP7